The following is an entry in ClinVar:

NM_003982.4(SLC7A7):c.1012G>A (p.Gly338Ser)

Gene: SLC7A7 (solute carrier family 7 member 7; minus strand). Cytogenetic location: 14q11.2.
Variant type: single nucleotide variant.
Coding change: c.1012G>A on transcript NM_003982.4 (MANE Select); coding-DNA position 1012, G replaced by A.
Protein change: p.Gly338Ser; replaces glycine 338 with serine.
Molecular consequence: missense variant.
Genome position (GRCh38, 1-based): chr14:22,775,527, C>T on the plus strand (G>A on the coding strand, the complement: SLC7A7 is on the minus strand). VCF-style: chr14-22775527-C-T. GRCh37 (hg19) VCF-style: chr14-23244736-C-T.
Other names: c.1012G>A, p.Gly338Ser (NM_001126105.3, NM_001126106.4); short protein forms G338S.
Identifiers: ClinVar variation 880734 (VCV000880734.5), dbSNP rs755387204, ClinGen allele CA7104505.

ClinVar aggregate classification (germline): Uncertain significance. Review status: criteria provided, multiple submitters, no conflicts (2 of 4 stars). 2 submissions from 2 submitters: Uncertain significance (2). Last evaluated 2021-08-27.

Conditions:
Lysinuric protein intolerance (LPI). Identifiers: Orphanet 470, MedGen C0268647, MONDO:0009109, OMIM 222700.

Allele frequency attached by ClinVar (database versions not stated): gnomAD 0.00001; gnomAD exomes 0.00001 and 0.00014; TOPMed 0.00004; ExAC 0.00013.
gnomAD v4.1: 21 of 1,613,992 alleles (0.0013%); highest among the groups gnomAD compares: East Asian, 0.047%; no homozygotes.

Submissions (2):

Labcorp Genetics (formerly Invitae), Labcorp
Classification: Uncertain significance for Lysinuric protein intolerance. Last evaluated: 2021-08-27. Review status: criteria provided, single submitter. Criteria: Invitae Variant Classification Sherloc (09022015). Collection method: clinical testing. Allele origin: germline.
Comment: This sequence change replaces glycine with serine at codon 338 of the SLC7A7 protein (p.Gly338Ser). The glycine residue is highly conserved and there is a small physicochemical difference between glycine and serine. This variant is present in population databases (rs755387204, ExAC 0.2%). This variant has not been reported in the literature in individuals affected with SLC7A7-related conditions. Algorithms developed to predict the effect of missense changes on protein structure and function are either unavailable or do not agree on the potential impact of this missense change (SIFT: "Tolerated"; PolyPhen-2: "Probably Damaging"; Align-GVGD: "Class C0"). In summary, the available evidence is currently insufficient to determine the role of this variant in disease. Therefore, it has been classified as a Variant of Uncertain Significance.

Illumina Laboratory Services, Illumina
Classification: Uncertain significance for Lysinuric protein intolerance. Last evaluated: 2018-01-12. Review status: criteria provided, single submitter. Criteria: ICSL Variant Classification Criteria 13 December 2019. Collection method: clinical testing. Allele origin: germline.